The following is an entry in ClinVar:

NM_020911.2(PLXNA4):c.961G>A (p.Val321Met)

Gene: PLXNA4 (plexin A4; minus strand). Cytogenetic location: 7q32.3.
Variant type: single nucleotide variant.
Coding change: c.961G>A on transcript NM_020911.2 (MANE Select); coding-DNA position 961, G replaced by A.
Protein change: p.Val321Met; replaces valine 321 with methionine.
Molecular consequence: missense variant.
Genome position (GRCh38, 1-based): chr7:132,507,733, C>T on the plus strand (G>A on the coding strand, the complement: PLXNA4 is on the minus strand). VCF-style: chr7-132507733-C-T. GRCh37 (hg19) VCF-style: chr7-132192492-C-T.
Other names: c.961G>A, p.Val321Met (NM_001105543.2, NM_001393897.1, NM_181775.4); short protein forms V321M.
Identifiers: ClinVar variation 4980935 (VCV004980935.1).

ClinVar aggregate classification (germline): Likely benign (1 of 4 stars; one submission).

Conditions:
PLXNA4-related disorder. Also called: PLXNA4-related condition.

gnomAD v4.1: 120 of 1,614,186 alleles (0.0074%); highest among the groups gnomAD compares: East Asian, 0.2%; no homozygotes.

Submission:

PreventionGenetics, part of Exact Sciences
Classification: Likely benign for PLXNA4-related condition. Last evaluated: 2026-09-02. Review status: criteria provided, single submitter. Criteria: ACMG Guidelines, 2015. Collection method: clinical testing. Allele origin: germline.
Comment: This variant is classified as likely benign based on ACMG/AMP sequence variant interpretation guidelines (Richards et al. 2015 PMID: 25741868, with internal and published modifications).